The following is an entry in ClinVar:

NM_001754.5(RUNX1):c.253C>A (p.His85Asn)

Gene: RUNX1 (RUNX family transcription factor 1; minus strand). Cytogenetic location: 21q22.12.
Variant type: single nucleotide variant.
Coding change: c.253C>A on transcript NM_001754.5 (MANE Select); coding-DNA position 253, C replaced by A.
Protein change: p.His85Asn; replaces histidine 85 with asparagine.
Molecular consequence: missense variant.
Genome position (GRCh38, 1-based): chr21:34,886,941, G>T on the plus strand (C>A on the coding strand, the complement: RUNX1 is on the minus strand). VCF-style: chr21-34886941-G-T. GRCh37 (hg19) VCF-style: chr21-36259238-G-T.
Other names: NM_001754.4(RUNX1):c.253C>A; c.172C>A, p.His58Asn (NM_001001890.3, NM_001122607.2); short protein forms H58N, H85N.
Identifiers: ClinVar variation 14469 (VCV000014469.13), dbSNP rs121912500, ClinGen allele CA123975.

ClinVar aggregate classification (germline): Likely benign. Review status: reviewed by expert panel (3 of 4 stars). 5 submissions from 4 submitters: Likely benign (1). 4 of the submissions do not count toward it. Last evaluated 2019-07-26.

Conditions:
Inborn genetic diseases. Identifiers: MedGen C0950123, MeSH D030342.
Hereditary thrombocytopenia and hematological cancer predisposition syndrome associated with RUNX1. Also called: Familial Platelet Disorder with Propensity to Acute Myelogenous Leukemia; PLATELET DISORDER, ASPIRIN-LIKE; RUNX1 Familial Platelet Disorder with Associated Myeloid Malignancies; Familial thrombocytopenia with propensity to acute myelogenous leukemia. Identifiers: Orphanet 71290, MedGen C1832388, MeSH C563324, MONDO:0100083, OMIM 601399.
TRANSIENT MYELOPROLIFERATIVE DISORDER OF DOWN SYNDROME. Identifiers: MedGen C1860788.
LEUKEMIA, ACUTE MYELOID, M0 SUBTYPE. Identifiers: MedGen C1835434.

Allele frequency attached by ClinVar (database versions not stated): gnomAD 0.00001; gnomAD exomes 0.00004 and 0.00001; TOPMed 0.00002; ExAC 0.00003.
gnomAD v4.1: 17 of 1,612,824 alleles (0.0011%); highest among the groups gnomAD compares: East Asian, 0.036%; no homozygotes.

Submissions (5):

ClinGen Myeloid Malignancy Variant Curation Expert Panel
Classification: Likely benign for Familial platelet disorder with associated myeloid malignancy. Last evaluated: 2019-07-26. Review status: reviewed by expert panel. Criteria: ClinGen MyeloMalig ACMG Specifications v1. Collection method: curation. Allele origin: germline. Inheritance: Autosomal dominant inheritance.
Comment: The NM_001754.4:c.253C>A (p.His85Asn) variant has a MAF of 0.00043 (0.043%, 8/18,768 alleles) in the East Asian subpopulation of the gnomAD cohort that is between 0.00015 (0.015%) and 0.0015 (0.15%) (BS1). This missense variant has a REVEL score >0.75 (0.852) (PP3). Transactivation assays demonstrating normal transactivation (80-115% of wt) and data from secondary assays demonstrate normal DNA binding, CBF-beta binding and sub-cellular localization (BS3; PMID: 23817177, PMID: 10068652). In summary, this variant meets criteria to be classified as likely benign. ACMG/AMP criteria applied, as specified by the ClinGen Myeloid Malignancy Variant Curation Expert Panel for RUNX1: BS1, BS3, PP3.

Labcorp Genetics (formerly Invitae), Labcorp
Classification: Likely benign for Hereditary thrombocytopenia and hematological cancer predisposition syndrome associated with RUNX1. Last evaluated: 2025-11-09. Review status: criteria provided, single submitter. Criteria: Invitae Variant Classification Sherloc (09022015). Collection method: clinical testing. Allele origin: germline. Not counted in ClinVar's aggregate classification.

Ambry Genetics
Classification: Likely benign for Inborn genetic diseases. Last evaluated: 2024-07-08. Review status: criteria provided, single submitter. Criteria: Ambry Variant Classification Scheme 2023. Collection method: clinical testing. Allele origin: germline. Not counted in ClinVar's aggregate classification.

OMIM
Classification: Pathogenic for TRANSIENT MYELOPROLIFERATIVE DISORDER OF DOWN SYNDROME. Last evaluated: 2002-09-01. Review status: no assertion criteria provided. Collection method: literature only. Allele origin: germline. Not counted in ClinVar's aggregate classification.

OMIM
Classification: Pathogenic for LEUKEMIA, ACUTE MYELOID, M0 SUBTYPE. Last evaluated: 2002-09-01. Review status: no assertion criteria provided. Collection method: literature only. Allele origin: germline. Not counted in ClinVar's aggregate classification.

Literature cited by the submitters: PubMed 10068652 (cited by ClinGen Myeloid Malignancy Variant Curation Expert Panel); PubMed 23817177 (cited by ClinGen Myeloid Malignancy Variant Curation Expert Panel); PubMed 12200707 (cited by OMIM); PubMed 15156185 (cited by OMIM).